The following is an entry in ClinVar:

NM_134261.3(RORA):c.1072G>A (p.Ala358Thr)

Genes: RORA (RAR related orphan receptor A; minus strand), RORA-AS1 (RORA antisense RNA 1; plus strand). Cytogenetic location: 15q22.2.
Variant type: single nucleotide variant.
Coding change: c.1072G>A on transcript NM_134261.3 (MANE Select); coding-DNA position 1072, G replaced by A.
Protein change: p.Ala358Thr; replaces alanine 358 with threonine.
Molecular consequence: missense variant.
Genome position (GRCh38, 1-based): chr15:60,503,538, C>T on the plus strand (G>A on the coding strand, the complement: RORA is on the minus strand). VCF-style: chr15-60503538-C-T. GRCh37 (hg19) VCF-style: chr15-60795737-C-T.
Other names: c.1147G>A, p.Ala383Thr (NM_002943.4); c.1171G>A, p.Ala391Thr (NM_134260.3); c.907G>A, p.Ala303Thr (NM_134262.3); short protein forms A303T, A358T, A383T, A391T.
Identifiers: ClinVar variation 1310282 (VCV001310282.4), dbSNP rs2141276372, ClinGen allele CA392668382.

ClinVar aggregate classification (germline): Uncertain significance. Review status: criteria provided, multiple submitters, no conflicts (2 of 4 stars). 2 submissions from 2 submitters: Uncertain significance (2). Last evaluated 2026-06-01.

Submissions (2):

CeGaT Center for Human Genetics Tuebingen
Classification: Uncertain significance. Last evaluated: 2026-06-01. Review status: criteria provided, single submitter. Criteria: CeGaT Center For Human Genetics Tuebingen Variant Classification Criteria Version 2. Collection method: clinical testing. Allele origin: germline. Affected: yes. Observed: 1 variant allele.
Comment: RORA: PM2, PP3

GeneDx
Classification: Uncertain significance. Last evaluated: 2019-11-15. Review status: criteria provided, single submitter. Criteria: GeneDx Variant Classification Process June 2021. Collection method: clinical testing. Allele origin: germline. Affected: yes.
Comment: Not observed in large population cohorts (Lek et al., 2016); In silico analysis, which includes protein predictors and evolutionary conservation, supports that this variant does not alter protein structure/function; Has not been previously published as pathogenic or benign to our knowledge